The following is an entry in ClinVar:

ClinVar aggregate classification (germline): Likely benign. Review status: criteria provided, single submitter (1 of 4 stars). 2 submissions from 2 submitters: Likely benign (1). 1 of the submissions does not count toward it. Last evaluated 2026-01-11.

Conditions:
MGME1-related disorder. Also called: MGME1-related condition.

Allele frequency attached by ClinVar (database versions not stated): gnomAD 0.00001; ExAC 0.00002; gnomAD exomes 0.00004; TOPMed 0.00014.

Submissions (2):

Labcorp Genetics (formerly Invitae), Labcorp
Classification: Likely benign. Last evaluated: 2026-01-11. Review status: criteria provided, single submitter. Criteria: Invitae Variant Classification Sherloc (09022015). Collection method: clinical testing. Allele origin: germline.

PreventionGenetics, part of Exact Sciences
Classification: Likely benign for MGME1-related condition. Last evaluated: 2019-05-24. Review status: no assertion criteria provided. Collection method: clinical testing. Allele origin: germline. Not counted in ClinVar's aggregate classification.
Comment: This variant is classified as likely benign based on ACMG/AMP sequence variant interpretation guidelines (Richards et al. 2015 PMID: 25741868, with internal and published modifications).

NM_052865.4(MGME1):c.513C>T (p.Asn171=)

Gene: MGME1 (mitochondrial genome maintenance exonuclease 1; plus strand). Cytogenetic location: 20p11.23.
Variant type: single nucleotide variant.
Coding change: c.513C>T on transcript NM_052865.4 (MANE Select); coding-DNA position 513, C replaced by T.
Protein change: p.Asn171=; no amino-acid change (asparagine 171 retained).
Molecular consequence: synonymous variant. On other transcripts: intron variant (1).
Genome position (GRCh38, 1-based): chr20:17,975,685, C>T. VCF-style: chr20-17975685-C-T. GRCh37 (hg19) VCF-style: chr20-17956328-C-T.
Other names: c.513C>T (NM_052865.3); c.558C>T, p.Asp186= (NM_001310338.2); c.273C>T, p.Asp91= (NM_001363738.2); c.511+5315C>T (NM_001310339.2).
Identifiers: ClinVar variation 1902738 (VCV001902738.7), dbSNP rs753780469, ClinGen allele CA9774966.